The following is an entry in ClinVar:

NM_004463.3(FGD1):c.2729G>A (p.Arg910Gln)

Genes: FGD1 (FYVE, RhoGEF and PH domain containing 1; minus strand), TSR2 (TSR2 ribosome maturation factor; plus strand). Cytogenetic location: Xp11.22.
Variant type: single nucleotide variant.
Coding change: c.2729G>A on transcript NM_004463.3 (MANE Select); coding-DNA position 2729, G replaced by A.
Protein change: p.Arg910Gln; replaces arginine 910 with glutamine.
Molecular consequence: missense variant. On other transcripts: 3 prime UTR variant (5).
Genome position (GRCh38, 1-based): chrX:54,446,266, C>T on the plus strand (G>A on the coding strand, the complement: FGD1 is on the minus strand). VCF-style: chrX-54446266-C-T. GRCh37 (hg19) VCF-style: chrX-54472699-C-T.
Other names: c.*1716C>T (NM_001346789.2, NM_001346790.2, NM_001346791.2 and 2 more transcripts); short protein forms R910Q.
Identifiers: ClinVar variation 1795263 (VCV001795263.10), dbSNP rs771786145, ClinGen allele CA10424901.
Genomic context (GRCh38, chrX:54,446,266, plus strand): 5'-GTGGGCCCCGGGCAGAACGTGTCCCCTCGGCCCGCCCGGCCAAGCACAGCCATCCAGCGT[C>T]GCTGTAGTTCCTCTGTCTCAGGGCTGAAGTACCAGCTGAGGTGGCTCTGGGTGATCTTGA-3'
Protein context (NP_004454.2, residues 900-920): YFSPETEELQ[Arg910Gln]RWMAVLGRAG

ClinVar aggregate classification (germline): Benign/Likely benign. Review status: criteria provided, multiple submitters, no conflicts (2 of 4 stars). 4 submissions from 4 submitters: Benign (2); Likely benign (1). 1 of the submissions does not count toward it. Last evaluated 2025-12-21.

Conditions:
FGD1-related disorder. Also called: FGD1-related condition; FGD1-related disorders.
Inborn genetic diseases. Identifiers: MedGen C0950123, MeSH D030342.

Allele frequency attached by ClinVar (database versions not stated): TOPMed 0.00009; gnomAD 0.00045; gnomAD exomes 0.00068; ExAC 0.00166; 1000 Genomes Project 30x 0.00541; 1000 Genomes Project 0.00556.
gnomAD v4.1: 793 of 1,210,818 alleles (0.065%); highest among the groups gnomAD compares: South Asian, 1.3%; 5 homozygotes.

Submissions (4):

Labcorp Genetics (formerly Invitae), Labcorp
Classification: Benign. Last evaluated: 2025-12-21. Review status: criteria provided, single submitter. Criteria: Invitae Variant Classification Sherloc (09022015). Collection method: clinical testing. Allele origin: germline.

Blueprint Genetics
Classification: Likely benign. Last evaluated: 2024-11-11. Review status: criteria provided, single submitter. Criteria: ACMG Guidelines, 2015. Collection method: clinical testing. Allele origin: germline.

Ambry Genetics
Classification: Benign for Inborn genetic diseases. Last evaluated: 2019-07-11. Review status: criteria provided, single submitter. Criteria: Ambry Variant Classification Scheme 2023. Collection method: clinical testing. Allele origin: germline.

PreventionGenetics, part of Exact Sciences
Classification: Benign for FGD1-related condition. Last evaluated: 2019-06-27. Review status: no assertion criteria provided. Collection method: clinical testing. Allele origin: germline. Not counted in ClinVar's aggregate classification.
Comment: This variant is classified as benign based on ACMG/AMP sequence variant interpretation guidelines (Richards et al. 2015 PMID: 25741868, with internal and published modifications).